The following is an entry in ClinVar:

ClinVar aggregate classification (germline): Likely pathogenic (1 of 4 stars; one submission).

Conditions:
Hereditary cancer-predisposing syndrome. Also called: Neoplastic Syndromes, Hereditary; Tumor predisposition; Hereditary neoplastic syndrome; Hereditary Cancer Syndrome. Identifiers: Orphanet 140162, MedGen C0027672, MeSH D009386, MONDO:0015356.

Submission:

Ambry Genetics
Classification: Likely pathogenic for Hereditary cancer-predisposing syndrome. Last evaluated: 2019-11-15. Review status: criteria provided, single submitter. Criteria: Ambry Variant Classification Scheme 2023. Collection method: clinical testing. Allele origin: germline.
Comment: The p.E126D variant (also known as c.378G>C), located in coding exon 3 of the FH gene, results from a G to C substitution at nucleotide position 378. The glutamic acid at codon 126 is replaced by aspartic acid, an amino acid with highly similar properties. However, this change occurs in the last base pair of coding exon 3, which makes it likely to have some effect on normal mRNA splicing. This alteration has been observed in at least one individual with a personal and/or family history that is consistent with FH-related disease (Ambry internal data). This variant is considered to be rare based on population cohorts in the Genome Aggregation Database (gnomAD). This nucleotide position is highly conserved in available vertebrate species. This amino acid position is also highly conserved in available vertebrate species. In silico splice site analysis predicts that this alteration will weaken the native splice donor site and will result in the creation or strengthening of a novel splice donor site. In addition, as a missense substitution this is predicted to be inconclusive by in silico analysis. Based on the majority of available evidence to date, this variant is likely to be pathogenic.

NM_000143.4(FH):c.378G>C (p.Glu126Asp)

Gene: FH (fumarate hydratase; minus strand). Cytogenetic location: 1q43.
Variant type: single nucleotide variant.
Coding change: c.378G>C on transcript NM_000143.4 (MANE Select); coding-DNA position 378, G replaced by C.
Protein change: p.Glu126Asp; replaces glutamic acid 126 with aspartic acid.
Molecular consequence: missense variant.
Genome position (GRCh38, 1-based): chr1:241,513,603, C>G on the plus strand (G>C on the coding strand, the complement: FH is on the minus strand). VCF-style: chr1-241513603-C-G. GRCh37 (hg19) VCF-style: chr1-241676903-C-G.
Other names: short protein forms E126D.
Identifiers: ClinVar variation 824210 (VCV000824210.4), dbSNP rs1573886367, ClinGen allele CA345440410.
Genomic context (GRCh38, chr1:241,513,603, plus strand): 5'-GTCATCCAGAGTATGGCATGGGTCTGAGGTTATTAAGCAAACACACTTATCACCTCCTAC[C>G]TCATCTGCTGCCTTCATTATTGCATTAGCAATCTTTGGATCAAGACCATAATCCTGGTTT-3'
Protein context (NP_000134.2, residues 116-136): IANAIMKAAD[Glu126Asp]VAEGKLNDHF